The following is an entry in ClinVar:

ClinVar aggregate classification (germline): Likely benign (1 of 4 stars; one submission).

Allele frequency attached by ClinVar (database versions not stated): 1000 Genomes Project 30x 0.00078; 1000 Genomes Project 0.00080; ExAC 0.00292; TOPMed 0.00345; ESP Exome Variant Server 0.00400.
gnomAD v4.1: 7,254 of 1,613,980 alleles (0.45%); highest among the groups gnomAD compares: Non-Finnish European, 0.56%; 20 homozygotes.

Submission:

CeGaT Center for Human Genetics Tuebingen
Classification: Likely benign. Last evaluated: 2023-11-01. Review status: criteria provided, single submitter. Criteria: CeGaT Center For Human Genetics Tuebingen Variant Classification Criteria Version 2. Collection method: clinical testing. Allele origin: germline. Affected: yes. Observed: 1 variant allele.
Comment: MAP3K4: BS2

NM_005922.4(MAP3K4):c.1752G>T (p.Gln584His)

Gene: MAP3K4 (mitogen-activated protein kinase kinase kinase 4; plus strand). Cytogenetic location: 6q26.
Variant type: single nucleotide variant.
Coding change: c.1752G>T on transcript NM_005922.4 (MANE Select); coding-DNA position 1752, G replaced by T.
Protein change: p.Gln584His; replaces glutamine 584 with histidine.
Molecular consequence: missense variant. On other transcripts: non-coding transcript variant (1).
Genome position (GRCh38, 1-based): chr6:161,070,652, G>T. VCF-style: chr6-161070652-G-T. GRCh37 (hg19) VCF-style: chr6-161491684-G-T.
Other names: c.111G>T, p.Gln37His (NM_001291958.2); c.1752G>T, p.Gln584His (NM_001301072.2, NM_001363582.2, NM_006724.4); short protein forms Q37H, Q584H.
Identifiers: ClinVar variation 2673090 (VCV002673090.23), dbSNP rs34018542, ClinGen allele CA4088471.